The following is an entry in ClinVar:

NM_033310.3(KCNK4):c.739G>T (p.Ala247Ser)

Genes: KCNK4 (potassium two pore domain channel subfamily K member 4; plus strand), KCNK4-CATSPERZ (KCNK4-CATSPERZ readthrough (NMD candidate); plus strand). Cytogenetic location: 11q13.1.
Variant type: single nucleotide variant.
Coding change: c.739G>T on transcript NM_033310.3 (MANE Select); coding-DNA position 739, G replaced by T.
Protein change: p.Ala247Ser; replaces alanine 247 with serine.
Molecular consequence: missense variant. On other transcripts: non-coding transcript variant (3).
Genome position (GRCh38, 1-based): chr11:64,298,187, G>T. VCF-style: chr11-64298187-G-T. GRCh37 (hg19) VCF-style: chr11-64065659-G-T.
Other names: c.739G>T, p.Ala247Ser (NM_001317090.2); short protein forms A247S.
Identifiers: ClinVar variation 1438188 (VCV001438188.8), dbSNP rs2135233808, ClinGen allele CA381066230.

ClinVar aggregate classification (germline): Likely pathogenic (1 of 4 stars; one submission).

Submission:

Labcorp Genetics (formerly Invitae), Labcorp
Classification: Likely pathogenic. Last evaluated: 2024-04-01. Review status: criteria provided, single submitter. Criteria: Invitae Variant Classification Sherloc (09022015). Collection method: clinical testing. Allele origin: germline.
Comment: This sequence change replaces alanine, which is neutral and non-polar, with serine, which is neutral and polar, at codon 247 of the KCNK4 protein (p.Ala247Ser). This variant is not present in population databases (gnomAD no frequency). This missense change has been observed in individual(s) with clinical features of KCNK4-related conditions (Invitae). In at least one individual the variant was observed to be de novo. ClinVar contains an entry for this variant (Variation ID: 1438188). An algorithm developed to predict the effect of missense changes on protein structure and function (PolyPhen-2) suggests that this variant is likely to be disruptive. In summary, the currently available evidence indicates that the variant is pathogenic, but additional data are needed to prove that conclusively. Therefore, this variant has been classified as Likely Pathogenic.